The following is an entry in ClinVar:

ClinVar aggregate classification (germline): Benign. Review status: criteria provided, single submitter (1 of 4 stars). 2 submissions from 2 submitters: Benign (1). 1 of the submissions does not count toward it. Last evaluated 2024-09-04.

Conditions:
NOTCH1-related disorder. Also called: NOTCH1-related condition; NOTCH1-related disorders.

Allele frequency attached by ClinVar (database versions not stated): gnomAD 0.00004; gnomAD exomes 0.00004; ExAC 0.00005; TOPMed 0.00005.
gnomAD v4.1: 70 of 1,595,578 alleles (0.0044%); highest among the groups gnomAD compares: South Asian, 0.0067%; no homozygotes.

Submissions (2):

Women's Health and Genetics/Laboratory Corporation of America, LabCorp
Classification: Benign. Last evaluated: 2024-09-04. Review status: criteria provided, single submitter. Criteria: LabCorp Variant Classification Summary - May 2015. Collection method: clinical testing. Allele origin: germline.
Comment: Variant summary: NOTCH1 c.*7C>T is located in the untranslated mRNA region downstream of the termination codon. Consensus agreement among computation tools predict no significant impact on normal splicing. However, these predictions have yet to be confirmed by functional studies. The variant allele was found at a frequency of 4.4e-05 in 1595578 control chromosomes (gnomAD database v4). The observed variant frequency is approximately 70 fold of the estimated maximal expected allele frequency for a pathogenic variant in NOTCH1 causing Adams-Oliver Syndrome 5 phenotype (6.3e-07). To our knowledge, no occurrence of c.*7C>T in individuals affected with Adams-Oliver Syndrome 5 and no experimental evidence demonstrating its impact on protein function have been reported. ClinVar contains an entry for this variant (Variation ID: 3037250). Based on the evidence outlined above, the variant was classified as benign.

PreventionGenetics, part of Exact Sciences
Classification: Likely benign for NOTCH1-related condition. Last evaluated: 2019-03-15. Review status: no assertion criteria provided. Collection method: clinical testing. Allele origin: germline. Not counted in ClinVar's aggregate classification.
Comment: This variant is classified as likely benign based on ACMG/AMP sequence variant interpretation guidelines (Richards et al. 2015 PMID: 25741868, with internal and published modifications).

Literature cited by the submitters: PubMed 24943832 (cited by Women's Health and Genetics/Laboratory Corporation of America, LabCorp); PubMed 16614245 (cited by Women's Health and Genetics/Laboratory Corporation of America, LabCorp); PubMed 21670202 (cited by Women's Health and Genetics/Laboratory Corporation of America, LabCorp); PubMed 22210878 (cited by Women's Health and Genetics/Laboratory Corporation of America, LabCorp); PubMed 19635999 (cited by Women's Health and Genetics/Laboratory Corporation of America, LabCorp); PubMed 26837699 (cited by Women's Health and Genetics/Laboratory Corporation of America, LabCorp); PubMed 23086750 (cited by Women's Health and Genetics/Laboratory Corporation of America, LabCorp); PubMed 19245433 (cited by Women's Health and Genetics/Laboratory Corporation of America, LabCorp); PubMed 22077063 (cited by Women's Health and Genetics/Laboratory Corporation of America, LabCorp); PubMed 15472075 (cited by Women's Health and Genetics/Laboratory Corporation of America, LabCorp); PubMed 23734977 (cited by Women's Health and Genetics/Laboratory Corporation of America, LabCorp); PubMed 22858860 (cited by Women's Health and Genetics/Laboratory Corporation of America, LabCorp).

NM_017617.5(NOTCH1):c.*7C>T

Gene: NOTCH1 (notch receptor 1; minus strand). Cytogenetic location: 9q34.3.
Variant type: single nucleotide variant.
Coding change: c.*7C>T on transcript NM_017617.5 (MANE Select); 7 bases downstream of the stop codon, C replaced by T.
Molecular consequence: 3 prime UTR variant.
Genome position (GRCh38, 1-based): chr9:136,496,064, G>A on the plus strand (C>T on the coding strand, the complement: NOTCH1 is on the minus strand). VCF-style: chr9-136496064-G-A. GRCh37 (hg19) VCF-style: chr9-139390516-G-A.
Identifiers: ClinVar variation 3037250 (VCV003037250.3), dbSNP rs758237894, ClinGen allele CA5339629.
Genomic context (GRCh38, chr9:136,496,064, plus strand): 5'-TCCACAGAGCGCACACAGACGCCCGAAGGCTTGGGAAAGGAAGCCGGGGTCTCGTGGGGC[G>A]CGCCGTTTACTTGAAGGCCTCCGGAATGCGGGCGATCTGGGACTGCATGCTGGTGGGAGG-3'